The following is an entry in ClinVar:

NM_013276.4(SHPK):c.436C>T (p.His146Tyr)

Genes: SHPK (sedoheptulokinase; minus strand), LOC126862464 (MED14-independent group 3 enhancer GRCh37_chr17:3526895-3528094; plus strand). Cytogenetic location: 17p13.2.
Variant type: single nucleotide variant.
Coding change: c.436C>T on transcript NM_013276.4 (MANE Select); coding-DNA position 436, C replaced by T.
Protein change: p.His146Tyr; replaces histidine 146 with tyrosine.
Molecular consequence: missense variant.
Genome position (GRCh38, 1-based): chr17:3,624,106, G>A on the plus strand (C>T on the coding strand, the complement: SHPK is on the minus strand). VCF-style: chr17-3624106-G-A. GRCh37 (hg19) VCF-style: chr17-3527400-G-A.
Other names: c.436C>T (NM_013276.2); short protein forms H146Y.
Identifiers: ClinVar variation 2905417 (VCV002905417.4), dbSNP rs778994281, ClinGen allele CA8291338.

ClinVar aggregate classification (germline): Uncertain significance. Review status: criteria provided, multiple submitters, no conflicts (2 of 4 stars). 2 submissions from 2 submitters: Uncertain significance (2). Last evaluated 2025-11-19.

Allele frequency attached by ClinVar (database versions not stated): gnomAD 0.00001; TOPMed 0.00003; gnomAD exomes below 0.00001; ExAC 0.00001.
gnomAD v4.1: 4 of 1,614,016 alleles (0.00025%); highest among the groups gnomAD compares: Middle Eastern, 0.016%; no homozygotes.

Submissions (2):

Labcorp Genetics (formerly Invitae), Labcorp
Classification: Uncertain significance. Last evaluated: 2025-11-19. Review status: criteria provided, single submitter. Criteria: Invitae Variant Classification Sherloc (09022015). Collection method: clinical testing. Allele origin: germline.
Comment: This sequence change replaces histidine, which is basic and polar, with tyrosine, which is neutral and polar, at codon 146 of the SHPK protein (p.His146Tyr). This variant is present in population databases (rs778994281, gnomAD 0.01%). This variant has not been reported in the literature in individuals affected with SHPK-related conditions. ClinVar contains an entry for this variant (Variation ID: 2905417). An algorithm developed to predict the effect of missense changes on protein structure and function (PolyPhen-2) suggests that this variant is likely to be disruptive. In summary, the available evidence is currently insufficient to determine the role of this variant in disease. Therefore, it has been classified as a Variant of Uncertain Significance.

Ambry Genetics
Classification: Uncertain significance. Last evaluated: 2024-03-15. Review status: criteria provided, single submitter. Criteria: Ambry Variant Classification Scheme 2023. Collection method: clinical testing. Allele origin: germline.